The following is an entry in ClinVar:

NM_000101.4(CYBA):c.128+5C>T

Gene: CYBA (cytochrome b-245 alpha chain; minus strand). Cytogenetic location: 16q24.2.
Variant type: single nucleotide variant.
Coding change: c.128+5C>T on transcript NM_000101.4 (MANE Select); 5 bases into the intron after coding-DNA position 128, C replaced by T.
Molecular consequence: intron variant.
Genome position (GRCh38, 1-based): chr16:88,648,040, G>A on the plus strand (C>T on the coding strand, the complement: CYBA is on the minus strand). VCF-style: chr16-88648040-G-A. GRCh37 (hg19) VCF-style: chr16-88714448-G-A.
Identifiers: ClinVar variation 657609 (VCV000657609.6), dbSNP rs749332805, ClinGen allele CA624185247.
Genomic context (GRCh38, chr16:88,648,040, plus strand): 5'-TGAAGTGGCTCCCCAGCTCTGCCCTGGGCGTTCCCCGCCCACCCCAGCCTCAGGTGGAAG[G>A]ATACATGGAGTAGGCACCAAAGTACCACTGGGTGAAGCGCCCAGCTGTGGCCACGATGCC-3'

ClinVar aggregate classification (germline): Uncertain significance. Review status: criteria provided, multiple submitters, no conflicts (2 of 4 stars). 3 submissions from 3 submitters: Uncertain significance (2). 1 of the submissions does not count toward it. Last evaluated 2025-12-05.

Conditions:
Chronic granulomatous disease. Identifiers: Orphanet 379, MedGen C0018203, MONDO:0018305.
Granulomatous disease, chronic, autosomal recessive, cytochrome b-negative. Also called: Chronic granulomatous disease, autosomal, due to deficiency of CYBA; CGD DUE TO DEFICIENCY OF THE ALPHA SUBUNIT OF CYTOCHROME b; CGD, AUTOSOMAL RECESSIVE CYTOCHROME b-NEGATIVE; CYBA DEFICIENCY; GRANULOMATOUS DISEASE, CHRONIC, AUTOSOMAL RECESSIVE, 4. Identifiers: Orphanet 379, MedGen C1856255, MONDO:0009308, OMIM 233690.

Allele frequency attached by ClinVar (database versions not stated): TOPMed 0.00002.
gnomAD v4.1: 23 of 1,611,684 alleles (0.0014%); highest among the groups gnomAD compares: Non-Finnish European, 0.0017%; no homozygotes.

Submissions (3):

Dasa
Classification: Uncertain significance. Last evaluated: 2025-12-05. Review status: criteria provided, single submitter. Criteria: DASA Assertion Criteria. Collection method: clinical testing. Allele origin: germline.
Comment: NM_000101.4(CYBA):c.128+5C>T is a splice-region variant. This variant affects a splice-region context with prior evidence supporting clinical relevance. This variant is rare in population databases. Computational prediction algorithms are consistent with a deleterious effect. The currently available literature and clinical evidence are not sufficient to establish a definitive association between this variant and the reported condition. Therefore, this variant is classified as a variant of uncertain significance.

Labcorp Genetics (formerly Invitae), Labcorp
Classification: Uncertain significance for Granulomatous disease, chronic, autosomal recessive, cytochrome b-negative. Last evaluated: 2022-07-03. Review status: criteria provided, single submitter. Criteria: Invitae Variant Classification Sherloc (09022015). Collection method: clinical testing. Allele origin: germline.
Comment: This sequence change falls in intron 2 of the CYBA gene. It does not directly change the encoded amino acid sequence of the CYBA protein. It affects a nucleotide within the consensus splice site. The frequency data for this variant in the population databases is considered unreliable, as metrics indicate poor data quality at this position in the gnomAD database. This variant has not been reported in the literature in individuals affected with CYBA-related conditions. ClinVar contains an entry for this variant (Variation ID: 657609). Variants that disrupt the consensus splice site are a relatively common cause of aberrant splicing (PMID: 17576681, 9536098). Algorithms developed to predict the effect of sequence changes on RNA splicing suggest that this variant may disrupt the consensus splice site. In summary, the available evidence is currently insufficient to determine the role of this variant in disease. Therefore, it has been classified as a Variant of Uncertain Significance.

Natera, Inc.
Classification: Uncertain significance for Chronic granulomatous disease. Last evaluated: 2020-09-16. Review status: no assertion criteria provided. Collection method: clinical testing. Allele origin: germline. Not counted in ClinVar's aggregate classification.

Literature cited by the submitters: PubMed 17576681 (cited by Labcorp Genetics (formerly Invitae), Labcorp); PubMed 9536098 (cited by Labcorp Genetics (formerly Invitae), Labcorp).